The following is an entry in ClinVar:

NM_001039958.2(MESP2):c.1017del (p.Arg341fs)

Gene: MESP2 (mesoderm posterior bHLH transcription factor 2; plus strand). Cytogenetic location: 15q26.1.
Variant type: Deletion.
Coding change: c.1017del on transcript NM_001039958.2 (MANE Select); coding-DNA position 1017, one base deleted (C; older notation c.1017delC).
Protein change: p.Arg341fs; shifts the reading frame from arginine 341.
Molecular consequence: frameshift variant.
Genome position (GRCh38, 1-based): chr15:89,778,157, C deleted; the last of 5 consecutive C bases (chr15:89,778,153-89,778,157); deleting any one gives the same sequence. VCF-style (leftmost placement, unchanged base first): chr15-89778152-AC-A. GRCh37 (hg19) VCF-style: chr15-90321383-AC-A.
Other names: short protein forms R341fs.
Identifiers: ClinVar variation 4057671 (VCV004057671.2).

ClinVar aggregate classification (germline): Likely pathogenic (1 of 4 stars; one submission).

Conditions:
Spondylocostal dysostosis 2, autosomal recessive (SCDO2). Also called: MESP2-Related Spondylocostal Dysostosis, Autosomal Recessive; Spondylocostal dysostosis type 2. Identifiers: Orphanet 2311, MedGen C1837549, MONDO:0012097, OMIM 608681.

Submission:

Natera, Inc.
Classification: Likely pathogenic for Spondylocostal dysostosis type 2. Last evaluated: 2025-02-04. Review status: criteria provided, single submitter. Criteria: Natera Variant Classification Schema (03/2026). Collection method: clinical testing. Allele origin: germline.
Comment: The c.1017del variant in MESP2 is a frameshift variant predicted to elongate the protein beyond the termination codon. This variant is expected to result in nonsense mediated decay, truncation, or a dysfunctional protein product. This variant is rare in the general population with a frequency below the threshold expected for the associated phenotype(s). Given the available evidence, this variant is classified as Likely Pathogenic.